The following is an entry in ClinVar:

NM_003743.5(NCOA1):c.3771G>A (p.Pro1257=)

Gene: NCOA1 (nuclear receptor coactivator 1; plus strand). Cytogenetic location: 2p23.3.
Variant type: single nucleotide variant.
Coding change: c.3771G>A on transcript NM_003743.5 (MANE Select); coding-DNA position 3771, G replaced by A.
Protein change: p.Pro1257=; no amino-acid change (proline 1257 retained).
Molecular consequence: synonymous variant.
Genome position (GRCh38, 1-based): chr2:24,752,046, G>A. VCF-style: chr2-24752046-G-A. GRCh37 (hg19) VCF-style: chr2-24974915-G-A.
Other names: c.3771G>A, p.Pro1257= (NM_001362950.1, NM_001362952.1, NM_001362954.1 and 3 more transcripts).
Identifiers: ClinVar variation 3031836 (VCV003031836.2), dbSNP rs748042321, ClinGen allele CA1552710.

ClinVar aggregate classification (germline): Likely benign (0 of 4 stars; one submission).

Conditions:
NCOA1-related disorder. Also called: NCOA1-related condition.

Allele frequency attached by ClinVar (database versions not stated): ExAC 0.00002; gnomAD exomes 0.00002; gnomAD 0.00003; TOPMed 0.00003.
gnomAD v4.1: 31 of 1,613,972 alleles (0.0019%); highest among the groups gnomAD compares: Non-Finnish European, 0.0025%; no homozygotes.

Submission:

PreventionGenetics, part of Exact Sciences
Classification: Likely benign for NCOA1-related condition. Last evaluated: 2021-09-01. Review status: no assertion criteria provided. Collection method: clinical testing. Allele origin: germline.
Comment: This variant is classified as likely benign based on ACMG/AMP sequence variant interpretation guidelines (Richards et al. 2015 PMID: 25741868, with internal and published modifications).